The following is an entry in ClinVar:

ClinVar aggregate classification (germline): Uncertain significance (1 of 4 stars; one submission).

Conditions:
ATP2B1-related disorder. Also called: ATP2B1-related condition.

Submission:

PreventionGenetics, part of Exact Sciences
Classification: Uncertain significance for ATP2B1-related condition. Last evaluated: 2026-04-23. Review status: criteria provided, single submitter. Criteria: ACMG Guidelines, 2015. Collection method: clinical testing. Allele origin: germline.
Comment: The ATP2B1 c.1904C>T variant is predicted to result in the amino acid substitution p.Thr635Ile. To our knowledge, this variant has not been reported in the literature or in a large population database (gnomAD), indicating this variant is rare. At this time, the clinical significance of this variant is uncertain due to the absence of conclusive functional and genetic evidence.

NM_001366521.1(ATP2B1):c.1904C>T (p.Thr635Ile)

Gene: ATP2B1 (ATPase plasma membrane Ca2+ transporting 1; minus strand). Cytogenetic location: 12q21.33.
Variant type: single nucleotide variant.
Coding change: c.1904C>T on transcript NM_001366521.1 (MANE Select); coding-DNA position 1904, C replaced by T.
Protein change: p.Thr635Ile; replaces threonine 635 with isoleucine.
Molecular consequence: missense variant. On other transcripts: non-coding transcript variant (3).
Genome position (GRCh38, 1-based): chr12:89,616,965, G>A on the plus strand (C>T on the coding strand, the complement: ATP2B1 is on the minus strand). VCF-style: chr12-89616965-G-A. GRCh37 (hg19) VCF-style: chr12-90010742-G-A.
Other names: c.1904C>T, p.Thr635Ile (NM_001001323.2, NM_001366520.1, NM_001366522.1 and 12 more transcripts); c.1706C>T, p.Thr569Ile (NM_001366530.1, NM_001413053.1); c.1343C>T, p.Thr448Ile (NM_001366531.1, NM_001366532.1, NM_001413058.1 and 2 more transcripts); c.1865C>T, p.Thr622Ile (NM_001413048.1); c.1763C>T, p.Thr588Ile (NM_001413051.1, NM_001413052.1, NM_001413055.1); c.1661C>T, p.Thr554Ile (NM_001413054.1); c.1649C>T, p.Thr550Ile (NM_001413056.1); c.1451C>T, p.Thr484Ile (NM_001413057.1); short protein forms T448I, T550I, T588I, T484I, T622I, T554I, T569I, T635I.
Identifiers: ClinVar variation 4998008 (VCV004998008.1).
Genomic context (GRCh38, chr12:89,616,965, plus strand): 5'-AAATCTCTGAATGCAAGACATATGGTTCTCAAGCCTTCTGATGCCATCGGTTCAATCACA[G>A]TTTTTACAATATCATCACGGTCCCTTGGTCTGAATACTTTTGCCTCACCATTAGCACTCA-3'
Protein context (NP_001353450.1, residues 625-645): RPRDRDDIVK[Thr635Ile]VIEPMASEGL